The following is an entry in ClinVar:

ClinVar aggregate classification (germline): Uncertain significance (1 of 4 stars; one submission).

Submission:

Ambry Genetics
Classification: Uncertain significance. Last evaluated: 2026-08-17. Review status: criteria provided, single submitter. Criteria: Ambry Variant Classification Scheme 2023. Collection method: clinical testing. Allele origin: germline.
Comment: The c.713C>T (p.P238L) alteration is located in exon 9 (coding exon 9) of the HDAC3 gene. This alteration results from a C to T substitution at nucleotide position 713, causing the proline (P) at amino acid position 238 to be replaced by a leucine (L). Based on data from gnomAD, the T allele has an overall frequency of <0.001% (1/251424) total alleles studied. The highest observed frequency was 0.001% (1/113714) of European (non-Finnish) alleles. Based on insufficient or conflicting evidence, the clinical significance of this alteration remains unclear.

NM_003883.4(HDAC3):c.713C>T (p.Pro238Leu)

Gene: HDAC3 (histone deacetylase 3; minus strand). Cytogenetic location: 5q31.3.
Variant type: single nucleotide variant.
Coding change: c.713C>T on transcript NM_003883.4 (MANE Select); coding-DNA position 713, C replaced by T.
Protein change: p.Pro238Leu; replaces proline 238 with leucine.
Molecular consequence: missense variant. On other transcripts: non-coding transcript variant (6).
Genome position (GRCh38, 1-based): chr5:141,628,166, G>A on the plus strand (C>T on the coding strand, the complement: HDAC3 is on the minus strand). VCF-style: chr5-141628166-G-A. GRCh37 (hg19) VCF-style: chr5-141007733-G-A.
Other names: c.713C>T, p.Pro238Leu (NM_001355039.2); c.254C>T, p.Pro85Leu (NM_001355040.2); c.152C>T, p.Pro51Leu (NM_001355041.2); short protein forms P85L, P51L, P238L.
Identifiers: ClinVar variation 5022627 (VCV005022627.1).